The following is an entry in ClinVar:

ClinVar aggregate classification (germline): Uncertain significance (1 of 4 stars; one submission).

Conditions:
Hereditary cancer-predisposing syndrome. Also called: Neoplastic Syndromes, Hereditary; Tumor predisposition; Hereditary Cancer Syndrome; Hereditary neoplastic syndrome. Identifiers: Orphanet 140162, MedGen C0027672, MeSH D009386, MONDO:0015356.

Submission:

Ambry Genetics
Classification: Uncertain significance for Hereditary cancer-predisposing syndrome. Last evaluated: 2020-04-16. Review status: criteria provided, single submitter. Criteria: Ambry Variant Classification Scheme 2023. Collection method: clinical testing. Allele origin: germline.
Comment: The p.L2176S variant (also known as c.6527T>C), located in coding exon 15 of the APC gene, results from a T to C substitution at nucleotide position 6527. The leucine at codon 2176 is replaced by serine, an amino acid with dissimilar properties. This amino acid position is well conserved in available vertebrate species. In addition, in silico predictors for this gene do not accurately predict pathogenicity. Since supporting evidence is limited at this time, the clinical significance of this alteration remains unclear.

NM_000038.6(APC):c.6527T>C (p.Leu2176Ser)

Gene: APC (APC regulator of Wnt signaling pathway; plus strand). Cytogenetic location: 5q22.2.
Variant type: single nucleotide variant.
Coding change: c.6527T>C on transcript NM_000038.6 (MANE Select); coding-DNA position 6527, T replaced by C.
Protein change: p.Leu2176Ser; replaces leucine 2176 with serine.
Molecular consequence: missense variant.
Genome position (GRCh38, 1-based): chr5:112,842,121, T>C. VCF-style: chr5-112842121-T-C. GRCh37 (hg19) VCF-style: chr5-112177818-T-C.
Other names: c.6527T>C, p.Leu2176Ser (NM_001127510.3, NM_001354895.2, NM_001407450.1); c.6473T>C, p.Leu2158Ser (NM_001127511.3); c.6581T>C, p.Leu2194Ser (NM_001354896.2, NM_001407447.1, NM_001407448.1 and 1 more transcripts); c.6557T>C, p.Leu2186Ser (NM_001354897.2); c.6452T>C, p.Leu2151Ser (NM_001354898.2); c.6443T>C, p.Leu2148Ser (NM_001354899.2); c.6404T>C, p.Leu2135Ser (NM_001354900.2); c.6350T>C, p.Leu2117Ser (NM_001354901.2, NM_001407453.1); and 11 more; short protein forms L2148S, L2169S, L1893S, L2085S, L2166S, L2186S, L2194S, L2204S.
Identifiers: ClinVar variation 1754051 (VCV001754051.2), dbSNP rs2533721299, ClinGen allele CA16035609.